The following is an entry in ClinVar:

NM_024408.4(NOTCH2):c.3655+35G>T

Gene: NOTCH2 (notch receptor 2; minus strand). Cytogenetic location: 1p12.
Variant type: single nucleotide variant.
Coding change: c.3655+35G>T on transcript NM_024408.4 (MANE Select); 35 bases into the intron after coding-DNA position 3655, G replaced by T.
Molecular consequence: intron variant. On other transcripts: synonymous variant (1).
Genome position (GRCh38, 1-based): chr1:119,935,437, C>A on the plus strand (G>T on the coding strand, the complement: NOTCH2 is on the minus strand). VCF-style: chr1-119935437-C-A. GRCh37 (hg19) VCF-style: chr1-120478060-C-A.
Other names: c.3690G>T, p.Gly1230= (NM_001200001.2).
Identifiers: ClinVar variation 3051694 (VCV003051694.2), dbSNP rs587738385, ClinGen allele CA525734133.

ClinVar aggregate classification (germline): Likely benign (0 of 4 stars; one submission).

Conditions:
NOTCH2-related disorder. Also called: NOTCH2-related condition.

gnomAD v4.1: 2 of 1,613,986 alleles (0.00012%); highest among the groups gnomAD compares: East Asian, 0.0022%; no homozygotes.

Submission:

PreventionGenetics, part of Exact Sciences
Classification: Likely benign for NOTCH2-related condition. Last evaluated: 2023-10-18. Review status: no assertion criteria provided. Collection method: clinical testing. Allele origin: germline.
Comment: This variant is classified as likely benign based on ACMG/AMP sequence variant interpretation guidelines (Richards et al. 2015 PMID: 25741868, with internal and published modifications).